The following continues an entry in ClinVar:

NM_000059.4(BRCA2):c.7934del (p.Arg2645fs)

Gene: BRCA2. ClinVar aggregate classification (germline): Pathogenic. Pathogenic (1).

Submissions 14 to 19 of 19:

CHEO Genetics Diagnostic Laboratory, Children's Hospital of Eastern Ontario
Classification: Pathogenic for Breast and/or ovarian cancer. Last evaluated: 2021-10-06. Review status: criteria provided, single submitter. Criteria: ACMG Guidelines, 2015. Collection method: clinical testing. Allele origin: germline. Not counted in ClinVar's aggregate classification.

Quest Diagnostics Nichols Institute San Juan Capistrano
Classification: Pathogenic. Last evaluated: 2017-06-12. Review status: criteria provided, single submitter. Criteria: Quest Diagnostics criteria. Collection method: clinical testing. Allele origin: germline. Not counted in ClinVar's aggregate classification.

Consortium of Investigators of Modifiers of BRCA1/2 (CIMBA), c/o University of Cambridge
Classification: Pathogenic for Breast-ovarian cancer, familial, susceptibility to, 2. Last evaluated: 2015-10-02. Review status: criteria provided, single submitter. Criteria: CIMBA Mutation Classification guidelines May 2016. Collection method: clinical testing. Allele origin: germline. Not counted in ClinVar's aggregate classification.

Research Molecular Genetics Laboratory, Women's College Hospital, University of Toronto
Classification: Pathogenic for Hereditary breast ovarian cancer syndrome. Last evaluated: 2014-01-31. Review status: no assertion criteria provided. Collection method: research. Allele origin: germline. Affected: yes. Study: The Canadian Open Genetics Repository (COGR). Not counted in ClinVar's aggregate classification.

Sharing Clinical Reports Project (SCRP)
Classification: Pathogenic for Breast-ovarian cancer, familial 2. Last evaluated: 2012-03-30. Review status: no assertion criteria provided. Collection method: clinical testing. Allele origin: germline. Not counted in ClinVar's aggregate classification.

Breast Cancer Information Core (BIC) (BRCA2)
Classification: Pathogenic for Breast-ovarian cancer, familial 2. Last evaluated: 1999-03-23. Review status: no assertion criteria provided. Collection method: clinical testing. Allele origin: germline, unknown. Affected: yes. Observed: 2 variant alleles. Not counted in ClinVar's aggregate classification.

Literature cited by the submitters: PubMed 20104584 (cited by Labcorp Genetics (formerly Invitae), Labcorp); PubMed 8988179 (cited by 4 submitters); PubMed 22638694 (cited by Labcorp Genetics (formerly Invitae), Labcorp and Color Diagnostics, LLC DBA Color Health); PubMed 23885733 (cited by 3 submitters); PubMed 24728189 (cited by 5 submitters); PubMed 26577449 (cited by 5 submitters); PubMed 26915939 (cited by 4 submitters); PubMed 35464868 (cited by Department of Pathology and Laboratory Medicine, Sinai Health System and Mayo Clinic Laboratories, Mayo Clinic); PubMed 34660253 (cited by Department of Pathology and Laboratory Medicine, Sinai Health System and Color Diagnostics, LLC DBA Color Health); PubMed 33471991 (cited by Department of Pathology and Laboratory Medicine, Sinai Health System and Color Diagnostics, LLC DBA Color Health); PubMed 32375709 (cited by Mayo Clinic Laboratories, Mayo Clinic and Color Diagnostics, LLC DBA Color Health); DOI 10.3389/fgene.2022.834265 (cited by National Health Laboratory Service, Universitas Academic Hospital and University of the Free State); PubMed 21204799 (cited by Quest Diagnostics Nichols Institute San Juan Capistrano).